The following is an entry in ClinVar:

ClinVar aggregate classification (germline): Conflicting classifications of pathogenicity. Review status: criteria provided, conflicting classifications (1 of 4 stars). 11 submissions from 11 submitters: Uncertain significance (10); Likely benign (1). Last evaluated 2025-05-08.

Conditions:
Cardiovascular phenotype. Identifiers: MedGen CN230736.
Arrhythmogenic right ventricular cardiomyopathy (ARVD). Also called: Cardiomyopathy, ARVC; Arrhythmogenic Right Ventricular Cardiomyopathy (ARVC); Arrhythmogenic right ventricular dysplasia; Arrhythmogenic cardiomyopathy. Identifiers: Orphanet 247, MedGen C0349788, MeSH D019571, MONDO:0016587. Disease mechanism: loss of function. Inheritance: Various modes of inheritance.
Cardiomyopathy (CMYO). Also called: Cardiomyopathies. Identifiers: Orphanet 167848, MedGen C0878544, MONDO:0004994, HP:0001638. Inheritance: Various modes of inheritance.
Catecholaminergic polymorphic ventricular tachycardia 1. Also called: VENTRICULAR TACHYCARDIA, CATECHOLAMINERGIC POLYMORPHIC, 1, WITH OR WITHOUT ATRIAL DYSFUNCTION AND/OR DILATED CARDIOMYOPATHY; VENTRICULAR TACHYCARDIA, STRESS-INDUCED POLYMORPHIC 1; RYR2-Related Catecholaminergic Polymorphic Ventricular Tachycardia. Identifiers: Orphanet 3286, MedGen C1631597, MONDO:0011484, OMIM 604772.
Catecholaminergic polymorphic ventricular tachycardia (CVPT). Also called: Catecholamine-induced polymorphic ventricular tachycardia. Identifiers: Orphanet 3286, MedGen C5574922, MONDO:0017990.

Allele frequency attached by ClinVar (database versions not stated): gnomAD exomes 0.00001; TOPMed 0.00002; ExAC 0.00006; ESP Exome Variant Server 0.00025.
gnomAD v4.1: 146 of 1,604,540 alleles (0.0091%); highest among the groups gnomAD compares: Non-Finnish European, 0.012%; 1 homozygote.

Submissions (11):

Mayo Clinic Laboratories, Mayo Clinic
Classification: Uncertain significance. Last evaluated: 2025-05-08. Review status: criteria provided, single submitter. Criteria: ACMG Guidelines, 2015. Collection method: clinical testing. Allele origin: germline. Observed: 1 variant allele.
Comment: PP2

Molecular Diagnostic Laboratory for Inherited Cardiovascular Disease, Montreal Heart Institute
Classification: Uncertain significance for Cardiovascular phenotype. Last evaluated: 2025-04-09. Review status: criteria provided, single submitter. Criteria: ACMG Guidelines, 2015. Collection method: clinical testing. Allele origin: germline. Affected: yes.
Comment: PP2, PP3

Labcorp Genetics (formerly Invitae), Labcorp
Classification: Uncertain significance for Catecholaminergic polymorphic ventricular tachycardia 1. Last evaluated: 2024-11-12. Review status: criteria provided, single submitter. Criteria: Invitae Variant Classification Sherloc (09022015). Collection method: clinical testing. Allele origin: germline.
Comment: This sequence change replaces arginine, which is basic and polar, with leucine, which is neutral and non-polar, at codon 801 of the RYR2 protein (p.Arg801Leu). The frequency data for this variant in the population databases is considered unreliable, as metrics indicate poor data quality at this position in the gnomAD database. This missense change has been observed in individual(s) with RYR2-related conditions (PMID: 35352813). ClinVar contains an entry for this variant (Variation ID: 43759). Invitae Evidence Modeling of protein sequence and biophysical properties (such as structural, functional, and spatial information, amino acid conservation, physicochemical variation, residue mobility, and thermodynamic stability) indicates that this missense variant is not expected to disrupt RYR2 protein function with a negative predictive value of 95%. In summary, the available evidence is currently insufficient to determine the role of this variant in disease. Therefore, it has been classified as a Variant of Uncertain Significance.

Blueprint Genetics
Classification: Likely benign. Last evaluated: 2024-10-15. Review status: criteria provided, single submitter. Criteria: ACMG Guidelines, 2015. Collection method: clinical testing. Allele origin: germline.

All of Us Research Program, National Institutes of Health
Classification: Uncertain significance for Catecholaminergic polymorphic ventricular tachycardia. Last evaluated: 2024-09-23. Review status: criteria provided, single submitter. Criteria: ACMG Guidelines, 2015. Collection method: clinical testing. Allele origin: germline. Inheritance: Autosomal dominant inheritance. Observed: 12 variant alleles, 12 heterozygotes.
Comment: This variant is located in the RYR2 protein. Computational prediction is inconclusive regarding the impact of this variant on protein structure and function (internally defined REVEL score threshold 0.5 < inconclusive < 0.7, PMID: 27666373). To our knowledge, functional studies have not been reported for this variant. This variant has not been reported in individuals affected with cardiovascular disorders in the literature. This variant has been identified in 3/233128 chromosomes in the general population by the Genome Aggregation Database (gnomAD). The available evidence is insufficient to determine the role of this variant in disease conclusively. Therefore, this variant is classified as a Variant of Uncertain Significance.

This study involves interpretation of variants in research participants for the purpose of population health screening. Participant phenotype was not available at the time of variant classification. Additional details can be found in publication PMID: 35346344, PMCID: PMC8962531

Color Diagnostics, LLC DBA Color Health
Classification: Uncertain significance for Cardiomyopathy. Last evaluated: 2024-02-05. Review status: criteria provided, single submitter. Criteria: ACMG Guidelines, 2015. Collection method: clinical testing. Allele origin: germline.
Comment: This variant is located in the RYR2 protein. Computational prediction is inconclusive regarding the impact of this variant on protein structure and function (internally defined REVEL score threshold 0.5 < inconclusive < 0.7, PMID: 27666373). To our knowledge, functional studies have not been reported for this variant. This variant has not been reported in individuals affected with cardiovascular disorders in the literature. This variant has been identified in 3/233128 chromosomes in the general population by the Genome Aggregation Database (gnomAD). The available evidence is insufficient to determine the role of this variant in disease conclusively. Therefore, this variant is classified as a Variant of Uncertain Significance.

GeneDx
Classification: Uncertain significance. Last evaluated: 2022-09-27. Review status: criteria provided, single submitter. Criteria: GeneDx Variant Classification Process June 2021. Collection method: clinical testing. Allele origin: germline. Affected: yes.
Comment: Not observed at significant frequency in large population cohorts (gnomAD); In silico analysis supports that this missense variant has a deleterious effect on protein structure/function; Has not been previously published as pathogenic or benign to our knowledge; Not located in one of the three hot-spot regions of the RYR2 gene, where the majority of pathogenic missense variants occur (Medeiros-Domingo et al., 2009)

Ambry Genetics
Classification: Uncertain significance for Cardiovascular phenotype. Last evaluated: 2022-04-21. Review status: criteria provided, single submitter. Criteria: Ambry Variant Classification Scheme 2023. Collection method: clinical testing. Allele origin: germline.

Women's Health and Genetics/Laboratory Corporation of America, LabCorp
Classification: Uncertain significance. Last evaluated: 2021-01-19. Review status: criteria provided, single submitter. Criteria: LabCorp Variant Classification Summary - May 2015. Collection method: clinical testing. Allele origin: germline.
Comment: Variant summary: RYR2 c.2402G>T (p.Arg801Leu) results in a non-conservative amino acid change located in the SPRY domain (IPR003877) of the encoded protein sequence. Four of five in-silico tools predict a damaging effect of the variant on protein function. The variant allele was found at a frequency of 1.3e-05 in 233128 control chromosomes (gnomAD). The available data on variant occurrences in the general population are insufficient to allow any conclusion about variant significance. To our knowledge, no occurrence of c.2402G>T in individuals affected with Catecholaminergic Polymorphic Ventricular Tachycardia and no experimental evidence demonstrating its impact on protein function have been reported. Five clinical diagnostic laboratories have submitted clinical-significance assessments for this variant to ClinVar after 2014 without evidence for independent evaluation, and all of them classified the variant as uncertain significance. Based on the evidence outlined above, the variant was classified as uncertain significance.

CSER _CC_NCGL, University of Washington
Classification: Uncertain significance for Arrhythmogenic right ventricular dysplasia. Last evaluated: 2016-10-01. Review status: criteria provided, single submitter. Criteria: Amendola et al. (Genome Res. 2015). Collection method: research. Allele origin: germline. Affected: no. Study: CSER - NEXT Medicine variant annotation.
Comment: This interpretation considers GERP score and allele frequency data, in addition to published reports of the variant in the literature, available at the time of review.

Laboratory for Molecular Medicine, Mass General Brigham Personalized Medicine
Classification: Uncertain significance. Last evaluated: 2015-04-09. Review status: criteria provided, single submitter. Criteria: LMM Criteria. Collection method: clinical testing. Allele origin: germline. Observed: 2 variant alleles.
Comment: The variant has also been identified in 3/29120 Europe an chromosomes by the Exome Aggregation Consortium (ExAC; dbSNP rs371157868). Computational prediction tools and conservation an alysis suggest that this variant may impact the protein, though this information is not predictive enough to determine pathogenicity. In summary, the clinical s ignificance of the p.Arg801Leu variant is uncertain.

Literature cited by the submitters: PubMed 35352813 (cited by Mayo Clinic Laboratories, Mayo Clinic and Labcorp Genetics (formerly Invitae), Labcorp).

NM_001035.3(RYR2):c.2402G>T (p.Arg801Leu)

Gene: RYR2 (ryanodine receptor 2; plus strand). Cytogenetic location: 1q43.
Variant type: single nucleotide variant.
Coding change: c.2402G>T on transcript NM_001035.3 (MANE Select); coding-DNA position 2402, G replaced by T.
Protein change: p.Arg801Leu; replaces arginine 801 with leucine.
Molecular consequence: missense variant.
Genome position (GRCh38, 1-based): chr1:237,503,294, G>T. VCF-style: chr1-237503294-G-T. GRCh37 (hg19) VCF-style: chr1-237666594-G-T.
Other names: p.R801L:CGC>CTC; short protein forms R801L.
Identifiers: ClinVar variation 43759 (VCV000043759.28), dbSNP rs371157868, ClinGen allele CA008839.